The following is an entry in ClinVar:

ClinVar aggregate classification (germline): Benign/Likely benign. Review status: criteria provided, multiple submitters, no conflicts (2 of 4 stars). 3 submissions from 3 submitters: Benign (1); Likely benign (2). Last evaluated 2026-01-18.

Conditions:
Hypogonadotropic hypogonadism 1 with or without anosmia (HH1). Also called: KAL1-Related GnRH Deficiency (Kallmann Syndrome 1; Kallmann Syndrome, X-Linked); Hypogonadotropic hypogonadism 1 with or without anosmia (Kallmann syndrome 1); HYPOGONADOTROPIC HYPOGONADISM 1 WITH ANOSMIA; Kallmann syndrome, type 1, X-linked; DYSPLASIA OLFACTOGENITALIS OF DE MORSIER; HYPOGONADOTROPIC HYPOGONADISM AND ANOSMIA. Identifiers: Orphanet 478, MedGen C1563719, MONDO:0010635, OMIM 308700. Disease mechanism: loss of function.

Allele frequency attached by ClinVar (database versions not stated): TOPMed 0.00230; ESP Exome Variant Server 0.00265; 1000 Genomes Project 30x 0.00291; gnomAD 0.00214 and 0.00205; gnomAD exomes 0.00072; ExAC 0.00090; 1000 Genomes Project 0.00238.
gnomAD v4.1: 493 of 1,203,333 alleles (0.041%); highest among the groups gnomAD compares: African/African-American, 0.68%; no homozygotes.

Submissions (3):

Labcorp Genetics (formerly Invitae), Labcorp
Classification: Benign for Hypogonadotropic hypogonadism 1 with or without anosmia. Last evaluated: 2026-01-18. Review status: criteria provided, single submitter. Criteria: Invitae Variant Classification Sherloc (09022015). Collection method: clinical testing. Allele origin: germline.

GeneDx
Classification: Likely benign. Last evaluated: 2015-04-23. Review status: criteria provided, single submitter. Criteria: GeneDx Variant Classification (06012015). Collection method: clinical testing. Allele origin: germline. Affected: yes.
Comment: This variant is considered likely benign or benign based on one or more of the following criteria: it is a conservative change, it occurs at a poorly conserved position in the protein, it is predicted to be benign by multiple in silico algorithms, and/or has population frequency not consistent with disease.

Breakthrough Genomics
Classification: Likely benign. Review status: criteria provided, single submitter. Criteria: ACMG Guidelines, 2015. Collection method: not provided. Allele origin: germline. Inheritance: X-linked recessive inheritance. Affected: yes.

NM_000216.4(ANOS1):c.1283C>T (p.Pro428Leu)

Gene: ANOS1 (anosmin 1; minus strand). Cytogenetic location: Xp22.31.
Variant type: single nucleotide variant.
Coding change: c.1283C>T on transcript NM_000216.4 (MANE Select); coding-DNA position 1283, C replaced by T.
Protein change: p.Pro428Leu; replaces proline 428 with leucine.
Molecular consequence: missense variant.
Genome position (GRCh38, 1-based): chrX:8,554,023, G>A on the plus strand (C>T on the coding strand, the complement: ANOS1 is on the minus strand). VCF-style: chrX-8554023-G-A. GRCh37 (hg19) VCF-style: chrX-8522064-G-A.
Other names: short protein forms P428L.
Identifiers: ClinVar variation 379291 (VCV000379291.11), dbSNP rs148736113, ClinGen allele CA10343648.